The following is an entry in ClinVar:

NM_000016.6(ACADM):c.1150G>T (p.Glu384Ter)

Gene: ACADM (acyl-CoA dehydrogenase medium chain; plus strand). Cytogenetic location: 1p31.1.
Variant type: single nucleotide variant.
Coding change: c.1150G>T on transcript NM_000016.6 (MANE Select); coding-DNA position 1150, G replaced by T.
Protein change: p.Glu384Ter; replaces glutamic acid 384 with a stop codon.
Molecular consequence: nonsense.
Genome position (GRCh38, 1-based): chr1:75,761,326, G>T. VCF-style: chr1-75761326-G-T. GRCh37 (hg19) VCF-style: chr1-76227011-G-T.
Other names: c.1162G>T, p.Glu388Ter (NM_001127328.3); c.1042G>T, p.Glu348Ter (NM_001286042.2); c.1249G>T, p.Glu417Ter (NM_001286043.2); c.583G>T, p.Glu195Ter (NM_001286044.2); short protein forms E384*, E348*, E388*, E417*, E195*.
Identifiers: ClinVar variation 371122 (VCV000371122.13), dbSNP rs748110745, ClinGen allele CA913280.

ClinVar aggregate classification (germline): Pathogenic/Likely pathogenic. Review status: criteria provided, multiple submitters, no conflicts (2 of 4 stars). 3 submissions from 3 submitters: Pathogenic (1); Likely pathogenic (1). 1 of the submissions does not count toward it. Last evaluated 2025-12-01.

Conditions:
Medium-chain acyl-coenzyme A dehydrogenase deficiency (ACADMD). Also called: MCADH DEFICIENCY; MCADD; Medium chain acyl-CoA dehydrogenase deficiency; MCAD Deficiency; ACADM DEFICIENCY; CARNITINE DEFICIENCY SECONDARY TO MEDIUM-CHAIN ACYL-CoA DEHYDROGENASE DEFICIENCY. Identifiers: Orphanet 42, MedGen C0220710, MONDO:0008721, OMIM 201450.

Allele frequency attached by ClinVar (database versions not stated): TOPMed below 0.00001; gnomAD 0.00001; gnomAD exomes 0.00001 and 0.00002; ExAC 0.00002.
gnomAD v4.1: 31 of 1,613,808 alleles (0.0019%); highest among the groups gnomAD compares: Non-Finnish European, 0.0026%; no homozygotes.

Submissions (3):

Natera, Inc.
Classification: Likely pathogenic for Medium Chain Acyl-CoA Dehydrogenase Deficiency. Last evaluated: 2025-12-01. Review status: criteria provided, single submitter. Criteria: Natera Variant Classification Schema (03/2026). Collection method: clinical testing. Allele origin: germline.
Comment: The c.1150G>T variant in ACADM is a nonsense variant predicted to introduce a stop codon at amino acid 384. This variant is expected to result in nonsense mediated decay, truncation, or a dysfunctional protein product. This variant is rare in the general population with a frequency below the threshold expected for the associated phenotype(s). Functional studies show that this variant may disrupt protein function (PMID: 8198141). Given the available evidence, this variant is classified as Likely Pathogenic.

Labcorp Genetics (formerly Invitae), Labcorp
Classification: Pathogenic for Medium-chain acyl-coenzyme A dehydrogenase deficiency. Last evaluated: 2025-11-23. Review status: criteria provided, single submitter. Criteria: Invitae Variant Classification Sherloc (09022015). Collection method: clinical testing. Allele origin: germline.
Comment: This sequence change creates a premature translational stop signal (p.Glu384*) in the ACADM gene. While this is not anticipated to result in nonsense mediated decay, it is expected to disrupt the last 38 amino acid(s) of the ACADM protein. This variant is present in population databases (rs748110745, gnomAD 0.002%). This premature translational stop signal has been observed in individual(s) with MCAD deficiency (PMID: 8198141). ClinVar contains an entry for this variant (Variation ID: 371122). Algorithms developed to predict the effect of variants on gene product structure and function are not available or were not evaluated for this variant. Experimental studies have shown that this premature translational stop signal affects ACADM function (PMID: 8198141). For these reasons, this variant has been classified as Pathogenic.

Counsyl
Classification: Likely pathogenic for Medium-chain acyl-coenzyme A dehydrogenase deficiency. Last evaluated: 2016-07-08. Review status: no assertion criteria provided. Collection method: clinical testing. Allele origin: unknown. Not counted in ClinVar's aggregate classification.

Literature cited by the submitters: PubMed 8198141 (cited by 3 submitters).